The following is an entry in ClinVar:

NM_001354930.2(RIPK1):c.1541C>T (p.Thr514Ile)

Gene: RIPK1 (receptor interacting serine/threonine kinase 1; plus strand). Cytogenetic location: 6p25.2.
Variant type: single nucleotide variant.
Coding change: c.1541C>T on transcript NM_001354930.2 (MANE Select); coding-DNA position 1541, C replaced by T.
Protein change: p.Thr514Ile; replaces threonine 514 with isoleucine.
Molecular consequence: missense variant.
Genome position (GRCh38, 1-based): chr6:3,106,016, C>T. VCF-style: chr6-3106016-C-T. GRCh37 (hg19) VCF-style: chr6-3106250-C-T.
Other names: c.1052C>T, p.Thr351Ile (NM_001317061.3, NM_001354932.2, NM_001354933.2 and 1 more transcripts); c.1403C>T, p.Thr468Ile (NM_001354931.2); c.1541C>T, p.Thr514Ile (NM_003804.6); c.1541C>T (NM_003804.3); short protein forms T351I, T468I, T514I.
Identifiers: ClinVar variation 1449619 (VCV001449619.7), dbSNP rs372833650, ClinGen allele CA3618439.

ClinVar aggregate classification (germline): Uncertain significance. Review status: criteria provided, multiple submitters, no conflicts (2 of 4 stars). 2 submissions from 2 submitters: Uncertain significance (2). Last evaluated 2025-11-17.

Conditions:
Inborn genetic diseases. Identifiers: MedGen C0950123, MeSH D030342.

Allele frequency attached by ClinVar (database versions not stated): ESP Exome Variant Server 0.00008.
gnomAD v4.1: 11 of 1,611,882 alleles (0.00068%); highest among the groups gnomAD compares: Middle Eastern, 0.016%; no homozygotes.

Submissions (2):

Labcorp Genetics (formerly Invitae), Labcorp
Classification: Uncertain significance. Last evaluated: 2025-11-17. Review status: criteria provided, single submitter. Criteria: Invitae Variant Classification Sherloc (09022015). Collection method: clinical testing. Allele origin: germline.
Comment: This sequence change replaces threonine, which is neutral and polar, with isoleucine, which is neutral and non-polar, at codon 514 of the RIPK1 protein (p.Thr514Ile). This variant is present in population databases (rs372833650, gnomAD 0.008%). This variant has not been reported in the literature in individuals affected with RIPK1-related conditions. ClinVar contains an entry for this variant (Variation ID: 1449619). An algorithm developed to predict the effect of missense changes on protein structure and function outputs the following: PolyPhen-2: "Benign". The isoleucine amino acid residue is found in multiple mammalian species, which suggests that this missense change does not adversely affect protein function. In summary, the available evidence is currently insufficient to determine the role of this variant in disease. Therefore, it has been classified as a Variant of Uncertain Significance.

Ambry Genetics
Classification: Uncertain significance for Inborn genetic diseases. Last evaluated: 2022-03-23. Review status: criteria provided, single submitter. Criteria: Ambry Variant Classification Scheme 2023. Collection method: clinical testing. Allele origin: germline.